The following is an entry in ClinVar:

ClinVar aggregate classification (germline): Pathogenic. Review status: criteria provided, multiple submitters, no conflicts (2 of 4 stars). 2 submissions from 2 submitters: Pathogenic (2). Last evaluated 2025-06-18.

Conditions:
Cardiovascular phenotype. Identifiers: MedGen CN230736.
Ehlers-Danlos syndrome due to tenascin-X deficiency (EDSCLL1). Also called: EDS DUE TO TNX DEFICIENCY; TNX DEFICIENCY; EHLERS-DANLOS SYNDROME, CLASSIC-LIKE; Ehlers-Danlos syndrome, classic-like, 1; TNXB-Related Classical-Like Ehlers-Danlos Syndrome. Identifiers: Orphanet 230839, MedGen C1848029, MONDO:0011670, OMIM 606408.

gnomAD v4.1: 14 of 1,612,670 alleles (0.00087%); highest among the groups gnomAD compares: Non-Finnish European, 0.0012%; no homozygotes.

Submissions (2):

Ambry Genetics
Classification: Pathogenic for Cardiovascular phenotype. Last evaluated: 2025-06-18. Review status: criteria provided, single submitter. Criteria: Ambry Variant Classification Scheme 2023. Collection method: clinical testing. Allele origin: germline.
Comment: The c.8236G>T (p.G2746*) alteration, located in exon 24 (coding exon 23) of the TNXB gene, consists of a G to T substitution at nucleotide position 8236. This changes the amino acid from a glycine (G) to a stop codon at amino acid position 2746. This alteration is expected to result in loss of function by premature protein truncation or nonsense-mediated mRNA decay. Based on data from gnomAD, the T allele has an overall frequency of <0.001% (1/244568) total alleles studied. The highest observed frequency was 0.007% (1/14414) of African alleles. Based on the available evidence, this alteration is classified as pathogenic.

Myriad Genetics, Inc.
Classification: Pathogenic for Ehlers-Danlos syndrome due to tenascin-X deficiency. Last evaluated: 2024-05-01. Review status: criteria provided, single submitter. Criteria: Myriad Autosomal Dominant, Autosomal Recessive and X-Linked Classification Criteria (2023). Collection method: clinical testing. Allele origin: unknown.
Comment: NM_019105.6(TNXB):c.8236G>T(G2746*) is expected to be pathogenic in the context of classical-like Ehlers-Danlos syndrome, TNXB-related. This variant is predicted to lead to an abnormal or absent protein product due to the creation of a premature termination codon in TNXB, a gene where loss-of-function variants are known to be pathogenic. Please note: this variant was assessed in the context of healthy population screening.

NM_001365276.2(TNXB):c.8236G>T (p.Gly2746Ter)

Gene: TNXB (tenascin XB; minus strand). Cytogenetic location: 6p21.33.
Variant type: single nucleotide variant.
Coding change: c.8236G>T on transcript NM_001365276.2 (MANE Select); coding-DNA position 8236, G replaced by T.
Protein change: p.Gly2746Ter; replaces glycine 2746 with a stop codon.
Molecular consequence: nonsense.
Genome position (GRCh38, 1-based): chr6:32,056,082, C>A on the plus strand (G>T on the coding strand, the complement: TNXB is on the minus strand). VCF-style: chr6-32056082-C-A. GRCh37 (hg19) VCF-style: chr6-32023859-C-A.
Other names: c.8977G>T, p.Gly2993Ter (NM_001428335.1); c.8236G>T, p.Gly2746Ter (NM_019105.8); short protein forms G2746*, G2993*.
Identifiers: ClinVar variation 4188766 (VCV004188766.2).